The following is an entry in ClinVar:

ClinVar aggregate classification (germline): Uncertain significance (1 of 4 stars; one submission).

Submission:

GeneDx
Classification: Uncertain significance. Last evaluated: 2024-09-04. Review status: criteria provided, single submitter. Criteria: GeneDx Variant Classification Process June 2021. Collection method: clinical testing. Allele origin: germline. Affected: yes.
Comment: Not observed at significant frequency in large population cohorts (gnomAD); In silico analysis indicates that this missense variant does not alter protein structure/function; Has not been previously published as pathogenic or benign to our knowledge

NM_032188.3(KAT8):c.751G>C (p.Val251Leu)

Gene: KAT8 (lysine acetyltransferase 8; plus strand). Cytogenetic location: 16p11.2.
Variant type: single nucleotide variant.
Coding change: c.751G>C on transcript NM_032188.3 (MANE Select); coding-DNA position 751, G replaced by C.
Protein change: p.Val251Leu; replaces valine 251 with leucine.
Molecular consequence: missense variant.
Genome position (GRCh38, 1-based): chr16:31,128,119, G>C. VCF-style: chr16-31128119-G-C. GRCh37 (hg19) VCF-style: chr16-31139440-G-C.
Other names: c.751G>C, p.Val251Leu (NM_182958.4); short protein forms V251L.
Identifiers: ClinVar variation 3767748 (VCV003767748.1).